The following is an entry in ClinVar:

NM_014071.5(NCOA6):c.3180C>T (p.Pro1060=)

Gene: NCOA6 (nuclear receptor coactivator 6; minus strand). Cytogenetic location: 20q11.22.
Variant type: single nucleotide variant.
Coding change: c.3180C>T on transcript NM_014071.5 (MANE Select); coding-DNA position 3180, C replaced by T.
Protein change: p.Pro1060=; no amino-acid change (proline 1060 retained).
Molecular consequence: synonymous variant. On other transcripts: intron variant (1).
Genome position (GRCh38, 1-based): chr20:34,743,076, G>A on the plus strand (C>T on the coding strand, the complement: NCOA6 is on the minus strand). VCF-style: chr20-34743076-G-A. GRCh37 (hg19) VCF-style: chr20-33330880-G-A.
Other names: c.3180C>T, p.Pro1060= (NM_001318240.1, NM_001438233.1); c.3144C>T, p.Pro1048= (NM_001438234.1); c.3147C>T, p.Pro1049= (NM_001438235.1); c.2914+3731C>T (NM_001242539.3).
Identifiers: ClinVar variation 703975 (VCV000703975.29), dbSNP rs61752052, ClinGen allele CA9823636.

ClinVar aggregate classification (germline): Benign/Likely benign. Review status: criteria provided, multiple submitters, no conflicts (2 of 4 stars). 3 submissions from 3 submitters: Benign (2); Likely benign (1). Last evaluated 2022-12-01.

Allele frequency attached by ClinVar (database versions not stated): 1000 Genomes Project 0.00319; 1000 Genomes Project 30x 0.00328; TOPMed 0.00612; ESP Exome Variant Server 0.00646; gnomAD exomes 0.00905.
gnomAD v4.1: 14,082 of 1,613,606 alleles (0.87%); highest among the groups gnomAD compares: Non-Finnish European, 1.1%; 85 homozygotes.

Submissions (3):

CeGaT Center for Human Genetics Tuebingen
Classification: Likely benign. Last evaluated: 2022-12-01. Review status: criteria provided, single submitter. Criteria: CeGaT Center For Human Genetics Tuebingen Variant Classification Criteria Version 2. Collection method: clinical testing. Allele origin: germline. Affected: yes. Observed: 1 variant allele.
Comment: NCOA6: BP4, BP7, BS2

Labcorp Genetics (formerly Invitae), Labcorp
Classification: Benign. Last evaluated: 2019-12-31. Review status: criteria provided, single submitter. Criteria: Invitae Variant Classification Sherloc (09022015). Collection method: clinical testing. Allele origin: germline.

Breakthrough Genomics
Classification: Benign. Review status: criteria provided, single submitter. Criteria: ACMG Guidelines, 2015. Collection method: not provided. Allele origin: germline. Inheritance: Unknown mechanism. Affected: yes.